The following is an entry in ClinVar:

NM_006735.4(HOXA2):c.988A>G (p.Thr330Ala)

Gene: HOXA2 (homeobox A2; minus strand). Cytogenetic location: 7p15.2.
Variant type: single nucleotide variant.
Coding change: c.988A>G on transcript NM_006735.4 (MANE Select); coding-DNA position 988, A replaced by G.
Protein change: p.Thr330Ala; replaces threonine 330 with alanine.
Molecular consequence: missense variant.
Genome position (GRCh38, 1-based): chr7:27,100,869, T>C on the plus strand (A>G on the coding strand, the complement: HOXA2 is on the minus strand). VCF-style: chr7-27100869-T-C. GRCh37 (hg19) VCF-style: chr7-27140488-T-C.
Other names: short protein forms T330A.
Identifiers: ClinVar variation 2395706 (VCV002395706.3), dbSNP rs745712033, ClinGen allele CA4196096.

ClinVar aggregate classification (germline): Uncertain significance. Review status: criteria provided, multiple submitters, no conflicts (2 of 4 stars). 2 submissions from 2 submitters: Uncertain significance (2). Last evaluated 2026-02-16.

Conditions:
HOXA2-related disorder. Also called: HOXA2-related condition.
Inborn genetic diseases. Identifiers: MedGen C0950123, MeSH D030342.

Allele frequency attached by ClinVar (database versions not stated): gnomAD 0.00003; TOPMed 0.00003; ExAC 0.00001; gnomAD exomes 0.00001.
gnomAD v4.1: 22 of 1,614,106 alleles (0.0014%); highest among the groups gnomAD compares: Non-Finnish European, 0.0018%; no homozygotes.

Submissions (2):

PreventionGenetics, part of Exact Sciences
Classification: Uncertain significance for HOXA2-related condition. Last evaluated: 2026-02-16. Review status: criteria provided, single submitter. Criteria: ACMG Guidelines, 2015. Collection method: clinical testing. Allele origin: germline.
Comment: The HOXA2 c.988A>G variant is predicted to result in the amino acid substitution p.Thr330Ala. To our knowledge, this variant has not been reported in the literature. This variant is reported in 0.0031% of alleles in individuals of European (Non-Finnish) descent in gnomAD. At this time, the clinical significance of this variant is uncertain due to the absence of conclusive functional and genetic evidence.

Ambry Genetics
Classification: Uncertain significance for Inborn genetic diseases. Last evaluated: 2021-12-02. Review status: criteria provided, single submitter. Criteria: Ambry Variant Classification Scheme 2023. Collection method: clinical testing. Allele origin: germline.